The following is an entry in ClinVar:

NM_002047.4(GARS1):c.1031+1G>A

Gene: GARS1 (glycyl-tRNA synthetase 1; plus strand). Cytogenetic location: 7p14.3.
Variant type: single nucleotide variant.
Coding change: c.1031+1G>A on transcript NM_002047.4 (MANE Select); the canonical splice donor site of the intron after coding-DNA position 1031, G replaced by A.
Molecular consequence: splice donor variant.
Genome position (GRCh38, 1-based): chr7:30,612,246, G>A. VCF-style: chr7-30612246-G-A. GRCh37 (hg19) VCF-style: chr7-30651862-G-A.
Other names: c.869+1G>A (NM_001316772.1); c.1031+1G>A (NM_002047.3).
Identifiers: ClinVar variation 637502 (VCV000637502.14), dbSNP rs1554338272, ClinGen allele CA367125624.

ClinVar aggregate classification (germline): Conflicting classifications of pathogenicity. Review status: criteria provided, conflicting classifications (1 of 4 stars). 6 submissions from 6 submitters: Likely pathogenic (2); Uncertain significance (1). 3 of the submissions do not count toward it. Last evaluated 2026-03-09.

Conditions:
Charcot-Marie-Tooth disease type 2D (CMT2D). Also called: GARS1 Adolescent- or Early Adult-Onset Hereditary Motor/Sensory Neuropathy (GARS1-HMSN); Charcot-Marie-Tooth Neuropathy Type 2D; CHARCOT-MARIE-TOOTH DISEASE, NEURONAL, TYPE 2D; CHARCOT-MARIE-TOOTH DISEASE, AXONAL, TYPE 2D. Identifiers: Orphanet 99938, MedGen C1832274, MONDO:0011091, OMIM 601472.
Charcot-Marie-Tooth disease. Also called: Charcot-Marie-Tooth Neuropathy; Charcot-Marie-Tooth Hereditary Neuropathy. Identifiers: Orphanet 166, MedGen C0007959, MONDO:0015626.
Charcot-Marie-Tooth disease type 2. Also called: Charcot-Marie-Tooth type 2. Identifiers: Orphanet 64746, MedGen C0270914, MONDO:0018993.
GARS1-related disorder. Also called: GARS1-related condition.

Allele frequency attached by ClinVar (database versions not stated): TOPMed below 0.00001; gnomAD exomes 0.00001.
gnomAD v4.1: 10 of 1,613,818 alleles (0.00062%); highest among the groups gnomAD compares: Non-Finnish European, 0.00085%; no homozygotes.

Submissions (8):

GeneDx
Classification: Likely pathogenic. Last evaluated: 2026-03-09. Review status: criteria provided, single submitter. Criteria: GeneDx Variant Classification Process June 2021. Collection method: clinical testing. Allele origin: germline.
Comment: Canonical splice site variant predicted to result in an in-frame loss of the adjacent exon in a gene for which loss of function is a known mechanism of disease; Not observed at significant frequency in large population cohorts (gnomAD); Observed in a cohort of patients with neuropathy; detailed clinical and segregation information was not reported (PMID: 25614874); This variant is associated with the following publications: (PMID: 25168514, 26138142, 26503042, 25614874)

Labcorp Genetics (formerly Invitae), Labcorp
Classification: Uncertain significance for Charcot-Marie-Tooth disease type 2. Last evaluated: 2024-02-29. Review status: criteria provided, single submitter. Criteria: Invitae Variant Classification Sherloc (09022015). Collection method: clinical testing. Allele origin: germline.
Comment: This sequence change affects a donor splice site in intron 8 of the GARS gene. It is expected to disrupt RNA splicing. Variants that disrupt the donor or acceptor splice site typically lead to a loss of protein function (PMID: 16199547), however the current clinical and genetic evidence is not sufficient to establish whether loss-of-function variants in GARS cause disease. This variant is not present in population databases (gnomAD no frequency). This variant has not been reported in the literature in individuals affected with GARS-related conditions. ClinVar contains an entry for this variant (Variation ID: 637502). Algorithms developed to predict the effect of sequence changes on RNA splicing suggest that this variant may disrupt the consensus splice site. In summary, the available evidence is currently insufficient to determine the role of this variant in disease. Therefore, it has been classified as a Variant of Uncertain Significance.

Ambry Genetics
Classification: Likely pathogenic. Last evaluated: 2021-05-18. Review status: criteria provided, single submitter. Criteria: Ambry Variant Classification Scheme 2023. Collection method: clinical testing. Allele origin: germline.
Comment: The c.1031+1G>A intronic variant results from a G to A substitution one nucleotide after coding exon 8 of the GARS gene. Alterations that disrupt the canonical splice site are expected to result in aberrant splicing. In silico splice site analysis predicts that this alteration will weaken the native splice donor site and may result in the creation or strengthening of a novel splice donor site. The resulting transcript is predicted to be in-frame and is not expected to trigger nonsense-mediated mRNAdecay; however, direct evidence is unavailable. The exact functional effect of the altered amino acid sequence is unknown; however, the impacted region is critical for protein function (Ambry internal data). This variant was detected in an inherited neuropathy genetic testing cohort; however, clinical details were limited (DiVincenzo C et al. Mol Genet Genomic Med, 2014 Nov;2:522-9). This variant is considered to be rare based on population cohorts in the Genome Aggregation Database (gnomAD). This nucleotide position is highly conserved in available vertebrate species. Although biallelic loss of function alterations in GARS have been associated with GARS-related mitochondrial respiratory chain dysfunction, haploinsufficiency for GARS has not been clearly established as a mechanism of disease for Charcot-Marie Tooth type 2D (CMT2D) and distal hereditary motor neuronopathy type VA, also referred to as distal spinal muscular atrophy V (dSMA-V). Based on the supporting evidence, this variant is expected to be causative of GARS-related mitochondrial respiratory chain dysfunction when present along with a second pathogenic variant on the other allele; however, its clinical significance for CMT2D and dSMA-V is unclear.

PreventionGenetics, part of Exact Sciences
Classification: Uncertain significance for GARS1-related condition. Last evaluated: 2023-12-14. Review status: no assertion criteria provided. Collection method: clinical testing. Allele origin: germline. Not counted in ClinVar's aggregate classification.
Comment: The GARS1 c.1031+1G>A variant is predicted to disrupt the GT donor site and interfere with normal splicing. However, loss of function is not a well established mechanism of causing disease in GARS1.This variant has been reported in a cohort of patients with neuropathy (supplemental table 5, DiVincenzo et al 2014. PubMed ID: 25614874). This variant has not been reported in a large population database, indicating this variant is rare. Although we suspect that this variant may be pathogenic, at this time, the clinical significance of this variant is uncertain due to the absence of conclusive functional and genetic evidence.

Inherited Neuropathy Consortium Ii, University Of Miami
Classification: Uncertain significance for Charcot-Marie-Tooth disease type 2D. Last evaluated: 2016-01-06. Review status: no assertion criteria provided. Collection method: literature only. Allele origin: germline. Affected: yes. Not counted in ClinVar's aggregate classification.

Dr. Peter K. Rogan Lab, Western University
No classification provided (evidence only). Condition: Ovarian serous cystadenocarcinoma. Review status: no classification provided. Collection method: in vitro. Allele origin: not applicable. Functional consequence: retained intron. Not counted in ClinVar's aggregate classification.

Dr. Peter K. Rogan Lab, Western University
No classification provided (evidence only). Condition: Ovarian serous cystadenocarcinoma. Review status: no classification provided. Collection method: in vitro. Allele origin: not applicable. Functional consequence: retained intron. Not counted in ClinVar's aggregate classification.

Inherited Neuropathy Consortium
Classification: Pathogenic for Charcot-Marie-Tooth disease. Review status: no assertion criteria provided. Collection method: literature only. Allele origin: germline. Affected: yes. Not counted in ClinVar's aggregate classification.

Literature cited by the submitters: PubMed 16199547 (cited by Labcorp Genetics (formerly Invitae), Labcorp); PubMed 25614874 (cited by 3 submitters).